The following is an entry in ClinVar:

NM_005996.4(TBX3):c.2093C>A (p.Thr698Asn)

Gene: TBX3 (T-box transcription factor 3; minus strand). Cytogenetic location: 12q24.21.
Variant type: single nucleotide variant.
Coding change: c.2093C>A on transcript NM_005996.4 (MANE Select); coding-DNA position 2093, C replaced by A.
Protein change: p.Thr698Asn; replaces threonine 698 with asparagine.
Molecular consequence: missense variant.
Genome position (GRCh38, 1-based): chr12:114,671,920, G>T on the plus strand (C>A on the coding strand, the complement: TBX3 is on the minus strand). VCF-style: chr12-114671920-G-T. GRCh37 (hg19) VCF-style: chr12-115109725-G-T.
Other names: c.2153C>A, p.Thr718Asn (NM_016569.4); short protein forms T698N, T718N.
Identifiers: ClinVar variation 1719669 (VCV001719669.5), dbSNP rs775079618, ClinGen allele CA386867576.

ClinVar aggregate classification (germline): Uncertain significance (1 of 4 stars; one submission).

Conditions:
Ulnar-mammary syndrome (UMS). Also called: PALLISTER ULNAR-MAMMARY SYNDROME; SCHINZEL SYNDROME; Ulnar-mammary syndrome of Pallister. Identifiers: Orphanet 3138, MedGen C1866994, MONDO:0008411, OMIM 181450.

Submission:

Labcorp Genetics (formerly Invitae), Labcorp
Classification: Uncertain significance for Ulnar-mammary syndrome. Last evaluated: 2022-09-17. Review status: criteria provided, single submitter. Criteria: Invitae Variant Classification Sherloc (09022015). Collection method: clinical testing. Allele origin: germline.
Comment: In summary, the available evidence is currently insufficient to determine the role of this variant in disease. Therefore, it has been classified as a Variant of Uncertain Significance. Algorithms developed to predict the effect of missense changes on protein structure and function (SIFT, PolyPhen-2, Align-GVGD) all suggest that this variant is likely to be tolerated. This variant has not been reported in the literature in individuals affected with TBX3-related conditions. This variant is not present in population databases (gnomAD no frequency). This sequence change replaces threonine, which is neutral and polar, with asparagine, which is neutral and polar, at codon 698 of the TBX3 protein (p.Thr698Asn).